The following is an entry in ClinVar:

NM_173689.7(CRB2):c.1186C>T (p.Gln396Ter)

Gene: CRB2 (crumbs cell polarity complex component 2; plus strand). Cytogenetic location: 9q33.3.
Variant type: single nucleotide variant.
Coding change: c.1186C>T on transcript NM_173689.7 (MANE Select); coding-DNA position 1186, C replaced by T.
Protein change: p.Gln396Ter; replaces glutamine 396 with a stop codon.
Molecular consequence: nonsense. On other transcripts: non-coding transcript variant (1).
Genome position (GRCh38, 1-based): chr9:123,370,239, C>T. VCF-style: chr9-123370239-C-T. GRCh37 (hg19) VCF-style: chr9-126132518-C-T.
Other names: short protein forms Q396*.
Identifiers: ClinVar variation 2841977 (VCV002841977.3), dbSNP rs1451388185, ClinGen allele CA374861681.

ClinVar aggregate classification (germline): Pathogenic (1 of 4 stars; one submission).

Allele frequency attached by ClinVar (database versions not stated): gnomAD 0.00001; gnomAD exomes below 0.00001; TOPMed 0.00001.
gnomAD v4.1: 3 of 1,613,142 alleles (0.00019%); highest among the groups gnomAD compares: African/African-American, 0.004%; no homozygotes.

Submission:

Labcorp Genetics (formerly Invitae), Labcorp
Classification: Pathogenic. Last evaluated: 2025-06-12. Review status: criteria provided, single submitter. Criteria: Invitae Variant Classification Sherloc (09022015). Collection method: clinical testing. Allele origin: germline.
Comment: This sequence change creates a premature translational stop signal (p.Gln396*) in the CRB2 gene. It is expected to result in an absent or disrupted protein product. Loss-of-function variants in CRB2 are known to be pathogenic (PMID: 27942854, 30212996). The frequency data for this variant in the population databases is considered unreliable, as metrics indicate poor data quality at this position in the gnomAD database. This variant has not been reported in the literature in individuals affected with CRB2-related conditions. ClinVar contains an entry for this variant (Variation ID: 2841977). For these reasons, this variant has been classified as Pathogenic.

Literature cited by the submitters: PubMed 27942854; PubMed 30212996.